The following is an entry in ClinVar:

NM_001845.6(COL4A1):c.1124T>A (p.Leu375His)

Gene: COL4A1 (collagen type IV alpha 1 chain; minus strand). Cytogenetic location: 13q34.
Variant type: single nucleotide variant.
Coding change: c.1124T>A on transcript NM_001845.6 (MANE Select); coding-DNA position 1124, T replaced by A.
Protein change: p.Leu375His; replaces leucine 375 with histidine.
Molecular consequence: missense variant.
Genome position (GRCh38, 1-based): chr13:110,198,628, A>T on the plus strand (T>A on the coding strand, the complement: COL4A1 is on the minus strand). VCF-style: chr13-110198628-A-T. GRCh37 (hg19) VCF-style: chr13-110850975-A-T.
Other names: c.1124T>A, p.Leu375His (NM_001303110.2); short protein forms L375H.
Identifiers: ClinVar variation 5040474 (VCV005040474.1).

ClinVar aggregate classification (germline): Uncertain significance (1 of 4 stars; one submission).

Submission:

CeGaT Center for Human Genetics Tuebingen
Classification: Uncertain significance. Last evaluated: 2026-08-01. Review status: criteria provided, single submitter. Criteria: CeGaT Center For Human Genetics Tuebingen Variant Classification Criteria Version 2. Collection method: clinical testing. Allele origin: germline. Affected: yes. Observed: 1 variant allele.
Comment: COL4A1: PM2